The following is an entry in ClinVar:

ClinVar aggregate classification (germline): Benign/Likely benign. Review status: criteria provided, multiple submitters, no conflicts (2 of 4 stars). 6 submissions from 6 submitters: Benign (1); Likely benign (4). 1 of the submissions does not count toward it. Last evaluated 2025-12-02.

Conditions:
Multiple endocrine neoplasia, type 1 (MEN1). Also called: MEA I; MEN I; WERMER SYNDROME; Endocrine adenomatosis multiple; MEN 1. Identifiers: Orphanet 652, MedGen C0025267, MeSH D018761, MONDO:0007540, OMIM 131100.
MEN1-related disorder. Also called: MEN1-related condition.
Hereditary cancer-predisposing syndrome. Also called: Hereditary neoplastic syndrome; Neoplastic Syndromes, Hereditary; Tumor predisposition; Hereditary Cancer Syndrome. Identifiers: Orphanet 140162, MedGen C0027672, MeSH D009386, MONDO:0015356.

Allele frequency attached by ClinVar (database versions not stated): gnomAD exomes 0.00001 and 0.00003; TOPMed 0.00001; ExAC 0.00003; ESP Exome Variant Server 0.00008.

Submissions (6):

Labcorp Genetics (formerly Invitae), Labcorp
Classification: Likely benign for Multiple endocrine neoplasia, type 1. Last evaluated: 2025-12-02. Review status: criteria provided, single submitter. Criteria: Invitae Variant Classification Sherloc (09022015). Collection method: clinical testing. Allele origin: germline.

Myriad Genetics, Inc.
Classification: Benign for Multiple endocrine neoplasia, type 1. Last evaluated: 2024-11-04. Review status: criteria provided, single submitter. Criteria: Myriad Autosomal Dominant, Autosomal Recessive and X-Linked Classification Criteria (2023). Collection method: clinical testing. Allele origin: unknown.
Comment: This variant is considered benign. This variant is a silent/synonymous amino acid change and it is not expected to impact splicing.

KCCC/NGS Laboratory, Kuwait Cancer Control Center
Classification: Likely benign for Multiple endocrine neoplasia, type 1. Last evaluated: 2023-07-07. Review status: criteria provided, single submitter. Criteria: ACMG Guidelines, 2015. Collection method: clinical testing. Allele origin: germline. Affected: yes.

Color Diagnostics, LLC DBA Color Health
Classification: Likely benign for Multiple endocrine neoplasia, type 1. Last evaluated: 2022-11-06. Review status: criteria provided, single submitter. Criteria: ACMG Guidelines, 2015. Collection method: clinical testing. Allele origin: germline.

Ambry Genetics
Classification: Likely benign for Hereditary cancer-predisposing syndrome. Last evaluated: 2016-01-22. Review status: criteria provided, single submitter. Criteria: Ambry Variant Classification Scheme 2023. Collection method: clinical testing. Allele origin: germline.

PreventionGenetics, part of Exact Sciences
Classification: Likely benign for MEN1-related condition. Last evaluated: 2019-07-17. Review status: no assertion criteria provided. Collection method: clinical testing. Allele origin: germline. Not counted in ClinVar's aggregate classification.
Comment: This variant is classified as likely benign based on ACMG/AMP sequence variant interpretation guidelines (Richards et al. 2015 PMID: 25741868, with internal and published modifications).

NM_001370259.2(MEN1):c.1071C>T (p.Asp357=)

Gene: MEN1 (menin 1; minus strand). Cytogenetic location: 11q13.1.
Variant type: single nucleotide variant.
Coding change: c.1071C>T on transcript NM_001370259.2 (MANE Select); coding-DNA position 1071, C replaced by T.
Protein change: p.Asp357=; no amino-acid change (aspartic acid 357 retained).
Molecular consequence: synonymous variant.
Genome position (GRCh38, 1-based): chr11:64,805,749, G>A on the plus strand (C>T on the coding strand, the complement: MEN1 is on the minus strand). VCF-style: chr11-64805749-G-A. GRCh37 (hg19) VCF-style: chr11-64573221-G-A.
Other names: c.1086C>T, p.Asp362= (NM_000244.4, NM_130800.3, NM_130801.3 and 3 more transcripts); c.1197C>T, p.Asp399= (NM_001370251.2); c.1071C>T, p.Asp357= (NM_001370260.2, NM_001370261.2, NM_130799.3); c.966C>T, p.Asp322= (NM_001370262.2, NM_001370263.2); c.1086C>T (NM_000244.3).
Identifiers: ClinVar variation 412578 (VCV000412578.19), dbSNP rs371964966, ClinGen allele CA059908.